The following is an entry in ClinVar:

NM_001171613.2(PREPL):c.727C>A (p.Pro243Thr)

Gene: PREPL (prolyl endopeptidase like; minus strand). Cytogenetic location: 2p21.
Variant type: single nucleotide variant.
Coding change: c.727C>A on transcript NM_001171613.2 (MANE Select); coding-DNA position 727, C replaced by A.
Protein change: p.Pro243Thr; replaces proline 243 with threonine.
Molecular consequence: missense variant. On other transcripts: intron variant (1).
Genome position (GRCh38, 1-based): chr2:44,338,512, G>T on the plus strand (C>A on the coding strand, the complement: PREPL is on the minus strand). VCF-style: chr2-44338512-G-T. GRCh37 (hg19) VCF-style: chr2-44565651-G-T.
Other names: c.994C>A, p.Pro332Thr (NM_001042386.2, NM_001171603.1, NM_001171606.2 and 3 more transcripts); c.727C>A, p.Pro243Thr (NM_001171617.1, NM_001374277.1); c.969+635C>A (NM_001042385.2); short protein forms P243T, P332T.
Identifiers: ClinVar variation 1517639 (VCV001517639.6), dbSNP rs760265313, ClinGen allele CA346691716.

ClinVar aggregate classification (germline): Uncertain significance (1 of 4 stars; one submission).

Conditions:
Myasthenic syndrome, congenital, 22 (CMS22). Also called: PREPL DEFICIENCY. Identifiers: MedGen C4479088, MONDO:0044299, OMIM 616224.

Submission:

Labcorp Genetics (formerly Invitae), Labcorp
Classification: Uncertain significance for Myasthenic syndrome, congenital, 22. Last evaluated: 2021-10-04. Review status: criteria provided, single submitter. Criteria: Invitae Variant Classification Sherloc (09022015). Collection method: clinical testing. Allele origin: germline.
Comment: In summary, the available evidence is currently insufficient to determine the role of this variant in disease. Therefore, it has been classified as a Variant of Uncertain Significance. Algorithms developed to predict the effect of missense changes on protein structure and function (SIFT, PolyPhen-2, Align-GVGD) all suggest that this variant is likely to be tolerated. This variant has not been reported in the literature in individuals affected with PREPL-related conditions. This variant is not present in population databases (ExAC no frequency). This sequence change replaces proline with threonine at codon 332 of the PREPL protein (p.Pro332Thr). The proline residue is highly conserved and there is a small physicochemical difference between proline and threonine.